The following is an entry in ClinVar:

ClinVar aggregate classification (germline): Uncertain significance. Review status: criteria provided, multiple submitters, no conflicts (2 of 4 stars). 2 submissions from 2 submitters: Uncertain significance (2). Last evaluated 2026-02-11.

Conditions:
Predisposition to Wilms tumor.

Submissions (2):

St. Jude Molecular Pathology, St. Jude Children's Research Hospital
Classification: Uncertain significance for Predisposition to Wilms tumor. Last evaluated: 2026-02-11. Review status: criteria provided, single submitter. Criteria: St. Jude Assertion Criteria 2020. Collection method: clinical testing. Allele origin: germline.
Comment: The NYNRIN c.4297C>T p.(Arg1433Trp) missense change has a maximum subpopulation frequency of 0.01% in gnomAD v2.1.1. The in silico tool REVEL predicts a benign effect on protein function, but to our knowledge this prediction has not been confirmed by functional studies. To our knowledge, this variant has not been reported in the literature in individuals with Wilms tumor. In summary, the evidence currently available is insufficient to determine the clinical significance of this variant. It has therefore been classified as of uncertain significance.

Ambry Genetics
Classification: Uncertain significance. Last evaluated: 2024-11-09. Review status: criteria provided, single submitter. Criteria: Ambry Variant Classification Scheme 2023. Collection method: clinical testing. Allele origin: germline.

NM_025081.3(NYNRIN):c.4297C>T (p.Arg1433Trp)

Gene: NYNRIN (NYN domain and retroviral integrase containing; plus strand). Cytogenetic location: 14q12.
Variant type: single nucleotide variant.
Coding change: c.4297C>T on transcript NM_025081.3 (MANE Select); coding-DNA position 4297, C replaced by T.
Protein change: p.Arg1433Trp; replaces arginine 1433 with tryptophan.
Molecular consequence: missense variant.
Genome position (GRCh38, 1-based): chr14:24,416,046, C>T. VCF-style: chr14-24416046-C-T. GRCh37 (hg19) VCF-style: chr14-24885252-C-T.
Other names: short protein forms R1433W.
Identifiers: ClinVar variation 3409151 (VCV003409151.2).